The following is an entry in ClinVar:

ClinVar aggregate classification (germline): Uncertain significance. Review status: criteria provided, multiple submitters, no conflicts (2 of 4 stars). 2 submissions from 2 submitters: Uncertain significance (2). Last evaluated 2022-11-21.

Conditions:
Hypertrophic cardiomyopathy 12. Identifiers: MedGen C2677491, MONDO:0012804, OMIM 612124.
Dilated cardiomyopathy 1M (CMD1M). Identifiers: Orphanet 154, MedGen C1843808, MONDO:0011840, OMIM 607482.
Cardiovascular phenotype. Identifiers: MedGen CN230736.

gnomAD v4.1: 9 of 1,613,528 alleles (0.00056%); highest among the groups gnomAD compares: South Asian, 0.0011%; no homozygotes.

Submissions (2):

Labcorp Genetics (formerly Invitae), Labcorp
Classification: Uncertain significance for Hypertrophic cardiomyopathy 12; Dilated cardiomyopathy 1M. Last evaluated: 2022-11-21. Review status: criteria provided, single submitter. Criteria: Invitae Variant Classification Sherloc (09022015). Collection method: clinical testing. Allele origin: germline.
Comment: In summary, the available evidence is currently insufficient to determine the role of this variant in disease. Therefore, it has been classified as a Variant of Uncertain Significance. Algorithms developed to predict the effect of missense changes on protein structure and function are either unavailable or do not agree on the potential impact of this missense change (SIFT: "Deleterious"; PolyPhen-2: "Benign"; Align-GVGD: "Class C35"). This variant has not been reported in the literature in individuals affected with CSRP3-related conditions. The frequency data for this variant in the population databases is considered unreliable, as metrics indicate poor data quality at this position in the gnomAD database. This sequence change replaces arginine, which is basic and polar, with serine, which is neutral and polar, at codon 64 of the CSRP3 protein (p.Arg64Ser).

Ambry Genetics
Classification: Uncertain significance for Cardiovascular phenotype. Last evaluated: 2022-09-05. Review status: criteria provided, single submitter. Criteria: Ambry Variant Classification Scheme 2023. Collection method: clinical testing. Allele origin: germline.
Comment: The p.R64S variant (also known as c.190C>A), located in coding exon 2 of the CSRP3 gene, results from a C to A substitution at nucleotide position 190. The arginine at codon 64 is replaced by serine, an amino acid with dissimilar properties. This amino acid position is conserved. In addition, the in silico prediction for this alteration is inconclusive. Since supporting evidence is limited at this time, the clinical significance of this alteration remains unclear.

NM_003476.5(CSRP3):c.190C>A (p.Arg64Ser)

Gene: CSRP3 (cysteine and glycine rich protein 3; minus strand). Cytogenetic location: 11p15.1.
Variant type: single nucleotide variant.
Coding change: c.190C>A on transcript NM_003476.5 (MANE Select); coding-DNA position 190, C replaced by A.
Protein change: p.Arg64Ser; replaces arginine 64 with serine.
Molecular consequence: missense variant. On other transcripts: intron variant (1).
Genome position (GRCh38, 1-based): chr11:19,188,227, G>T on the plus strand (C>A on the coding strand, the complement: CSRP3 is on the minus strand). VCF-style: chr11-19188227-G-T. GRCh37 (hg19) VCF-style: chr11-19209774-G-T.
Other names: c.190C>A, p.Arg64Ser (NM_001127656.1); c.113-1879C>A (NM_001369404.1); short protein forms R64S.
Identifiers: ClinVar variation 1782471 (VCV001782471.5), dbSNP rs368392588, ClinGen allele CA5916629.